The following is an entry in ClinVar:

NM_004656.4(BAP1):c.1050C>T (p.Pro350=)

Gene: BAP1 (BRCA1 associated deubiquitinase 1; minus strand). Cytogenetic location: 3p21.1.
Variant type: single nucleotide variant.
Coding change: c.1050C>T on transcript NM_004656.4 (MANE Select); coding-DNA position 1050, C replaced by T.
Protein change: p.Pro350=; no amino-acid change (proline 350 retained).
Molecular consequence: synonymous variant.
Genome position (GRCh38, 1-based): chr3:52,405,176, G>A on the plus strand (C>T on the coding strand, the complement: BAP1 is on the minus strand). VCF-style: chr3-52405176-G-A. GRCh37 (hg19) VCF-style: chr3-52439192-G-A.
Other names: c.1050C>T (NM_004656.2).
Identifiers: ClinVar variation 1128941 (VCV001128941.12), dbSNP rs2153227030, ClinGen allele CA433774879.

ClinVar aggregate classification (germline): Likely benign. Review status: criteria provided, multiple submitters, no conflicts (2 of 4 stars). 4 submissions from 4 submitters: Likely benign (4). Last evaluated 2026-03-01.

Conditions:
Hereditary cancer-predisposing syndrome. Also called: Tumor predisposition; Hereditary neoplastic syndrome; Hereditary Cancer Syndrome; Neoplastic Syndromes, Hereditary. Identifiers: Orphanet 140162, MedGen C0027672, MeSH D009386, MONDO:0015356.
BAP1-related tumor predisposition syndrome (TPDS1). Also called: Tumor susceptibility linked to germline BAP1 mutations; TUMOR PREDISPOSITION SYNDROME 1; BAP1 tumor predisposition syndrome; COMMON Syndrome. Identifiers: Orphanet 289539, MedGen C3280492, MONDO:0013692, OMIM 614327.

gnomAD v4.1: 3 of 1,614,156 alleles (0.00019%); highest among the groups gnomAD compares: Non-Finnish European, 0.00025%; no homozygotes.

Submissions (4):

CeGaT Center for Human Genetics Tuebingen
Classification: Likely benign. Last evaluated: 2026-03-01. Review status: criteria provided, single submitter. Criteria: CeGaT Center For Human Genetics Tuebingen Variant Classification Criteria Version 2. Collection method: clinical testing. Allele origin: germline. Affected: yes. Observed: 1 variant allele.
Comment: BAP1: BP4, BP7

Color Diagnostics, LLC DBA Color Health
Classification: Likely benign for Hereditary cancer-predisposing syndrome. Last evaluated: 2025-12-08. Review status: criteria provided, single submitter. Criteria: ACMG Guidelines, 2015. Collection method: clinical testing. Allele origin: germline.

Labcorp Genetics (formerly Invitae), Labcorp
Classification: Likely benign for BAP1-related tumor predisposition syndrome. Last evaluated: 2025-07-22. Review status: criteria provided, single submitter. Criteria: Invitae Variant Classification Sherloc (09022015). Collection method: clinical testing. Allele origin: germline.

Ambry Genetics
Classification: Likely benign for Hereditary cancer-predisposing syndrome. Last evaluated: 2025-04-12. Review status: criteria provided, single submitter. Criteria: Ambry Variant Classification Scheme 2023. Collection method: clinical testing. Allele origin: germline.